The following is an entry in ClinVar:

ClinVar aggregate classification (germline): Uncertain significance (1 of 4 stars; one submission).

Conditions:
Hereditary cancer-predisposing syndrome. Also called: Neoplastic Syndromes, Hereditary; Tumor predisposition; Hereditary Cancer Syndrome; Hereditary neoplastic syndrome. Identifiers: Orphanet 140162, MedGen C0027672, MeSH D009386, MONDO:0015356.

Submission:

Ambry Genetics
Classification: Uncertain significance for Hereditary cancer-predisposing syndrome. Last evaluated: 2026-04-21. Review status: criteria provided, single submitter. Criteria: Ambry Variant Classification Scheme 2023. Collection method: clinical testing. Allele origin: germline.
Comment: The p.A61P variant (also known as c.181G>C), located in coding exon 1 of the PTCH1 gene, results from a G to C substitution at nucleotide position 181. The alanine at codon 61 is replaced by proline, an amino acid with highly similar properties. This amino acid position is highly conserved in available vertebrate species. In addition, this alteration is predicted to be deleterious by in silico analysis. Based on the available evidence, the clinical significance of this variant remains unclear.

NM_000264.5(PTCH1):c.181G>C (p.Ala61Pro)

Gene: PTCH1 (patched 1; minus strand). Cytogenetic location: 9q22.32.
Variant type: single nucleotide variant.
Coding change: c.181G>C on transcript NM_000264.5 (MANE Select); coding-DNA position 181, G replaced by C.
Protein change: p.Ala61Pro; replaces alanine 61 with proline.
Molecular consequence: missense variant. On other transcripts: non-coding transcript variant (1), intron variant (3).
Genome position (GRCh38, 1-based): chr9:95,508,181, C>G on the plus strand (G>C on the coding strand, the complement: PTCH1 is on the minus strand). VCF-style: chr9-95508181-C-G. GRCh37 (hg19) VCF-style: chr9-98270463-C-G.
Other names: c.181G>C, p.Ala61Pro (NM_001354918.2); c.199-1582G>C (NM_001083603.3); c.4-1582G>C (NM_001083602.3, NM_001354919.2); short protein forms A61P.
Identifiers: ClinVar variation 4862672 (VCV004862672.1).